The following is an entry in ClinVar:

NM_031407.7(HUWE1):c.11296C>T (p.Arg3766Trp)

Gene: HUWE1 (HECT, UBA and WWE domain containing E3 ubiquitin protein ligase 1; minus strand). Cytogenetic location: Xp11.22.
Variant type: single nucleotide variant.
Coding change: c.11296C>T on transcript NM_031407.7 (MANE Select); coding-DNA position 11296, C replaced by T.
Protein change: p.Arg3766Trp; replaces arginine 3766 with tryptophan.
Molecular consequence: missense variant.
Genome position (GRCh38, 1-based): chrX:53,543,924, G>A on the plus strand (C>T on the coding strand, the complement: HUWE1 is on the minus strand). VCF-style: chrX-53543924-G-A. GRCh37 (hg19) VCF-style: chrX-53570885-G-A.
Other names: short protein forms R3766W.
Identifiers: ClinVar variation 3363571 (VCV003363571.1).

ClinVar aggregate classification (germline): Uncertain significance (1 of 4 stars; one submission).

gnomAD v4.1: 4 of 1,207,188 alleles (0.00033%); highest among the groups gnomAD compares: Non-Finnish European, 0.00045%; no homozygotes.

Submission:

GeneDx
Classification: Uncertain significance. Last evaluated: 2023-11-02. Review status: criteria provided, single submitter. Criteria: GeneDx Variant Classification Process June 2021. Collection method: clinical testing. Allele origin: germline. Affected: yes.
Comment: Not observed at significant frequency in large population cohorts (gnomAD); In silico analysis supports that this missense variant does not alter protein structure/function; Has not been previously published as pathogenic or benign to our knowledge